The following is an entry in ClinVar:

NM_000460.4(THPO):c.580G>A (p.Glu194Lys)

Gene: THPO (thrombopoietin; minus strand). Cytogenetic location: 3q27.1.
Variant type: single nucleotide variant.
Coding change: c.580G>A on transcript NM_000460.4 (MANE Select); coding-DNA position 580, G replaced by A.
Protein change: p.Glu194Lys; replaces glutamic acid 194 with lysine.
Molecular consequence: missense variant. On other transcripts: intron variant (2).
Genome position (GRCh38, 1-based): chr3:184,372,995, C>T on the plus strand (G>A on the coding strand, the complement: THPO is on the minus strand). VCF-style: chr3-184372995-C-T. GRCh37 (hg19) VCF-style: chr3-184090783-C-T.
Other names: c.568G>A, p.Glu190Lys (NM_001177597.2, NM_001290022.1); c.563G>A, p.Arg188Gln (NM_001177598.2, NM_001290026.1); c.580G>A, p.Glu194Lys (NM_001289998.1, NM_001290028.1); c.1000G>A, p.Glu334Lys (NM_001290003.1); c.478-14G>A (NM_001290027.1, NM_001289997.1); short protein forms E190K, E194K, R188Q, E334K.
Identifiers: ClinVar variation 4184164 (VCV004184164.2).
Genomic context (GRCh38, chr3:184,372,995, plus strand): 5'-TAGTTCTGGCTGAGGCAGTGAAGTTTGTCTCCAACAATCCAGAAGTCCTGTTTGGGAGCT[C>T]GTTCAGTGTGAGGACTAGAGAGGTTCTGCTGGGGACAGCTGTGGTGGGTGGGGCCCGCCT-3'
Protein context (NP_000451.1, residues 184-204): SRTSLVLTLN[Glu194Lys]LPNRTSGLLE

ClinVar aggregate classification (germline): Conflicting classifications of pathogenicity. Review status: criteria provided, conflicting classifications (1 of 4 stars). 2 submissions from 2 submitters: Uncertain significance (1); Likely benign (1). Last evaluated 2026-01-13.

Conditions:
Inborn genetic diseases. Identifiers: MedGen C0950123, MeSH D030342.

gnomAD v4.1: 21 of 1,613,978 alleles (0.0013%); highest among the groups gnomAD compares: Middle Eastern, 0.099%; no homozygotes.

Submissions (2):

Labcorp Genetics (formerly Invitae), Labcorp
Classification: Uncertain significance. Last evaluated: 2026-01-13. Review status: criteria provided, single submitter. Criteria: Invitae Variant Classification Sherloc (09022015). Collection method: clinical testing. Allele origin: germline.
Comment: This sequence change replaces glutamic acid, which is acidic and polar, with lysine, which is basic and polar, at codon 194 of the THPO protein (p.Glu194Lys). This variant is present in population databases (no rsID available, gnomAD 0.002%). This variant has not been reported in the literature in individuals affected with THPO-related conditions. ClinVar contains an entry for this variant (Variation ID: 4184164). Invitae Evidence Modeling of protein sequence and biophysical properties (such as structural, functional, and spatial information, amino acid conservation, physicochemical variation, residue mobility, and thermodynamic stability) indicates that this missense variant is not expected to disrupt THPO protein function with a negative predictive value of 80%. In summary, the available evidence is currently insufficient to determine the role of this variant in disease. Therefore, it has been classified as a Variant of Uncertain Significance.

Ambry Genetics
Classification: Likely benign for Inborn genetic diseases. Last evaluated: 2025-08-14. Review status: criteria provided, single submitter. Criteria: Ambry Variant Classification Scheme 2023. Collection method: clinical testing. Allele origin: germline.